The following is an entry in ClinVar:

NM_005633.4(SOS1):c.3191G>C (p.Ser1064Thr)

Gene: SOS1 (SOS Ras/Rac guanine nucleotide exchange factor 1; minus strand). Cytogenetic location: 2p22.1.
Variant type: single nucleotide variant.
Coding change: c.3191G>C on transcript NM_005633.4 (MANE Select); coding-DNA position 3191, G replaced by C.
Protein change: p.Ser1064Thr; replaces serine 1064 with threonine.
Molecular consequence: missense variant.
Genome position (GRCh38, 1-based): chr2:38,995,278, C>G on the plus strand (G>C on the coding strand, the complement: SOS1 is on the minus strand). VCF-style: chr2-38995278-C-G. GRCh37 (hg19) VCF-style: chr2-39222419-C-G.
Other names: c.3170G>C, p.Ser1057Thr (NM_001382394.1); c.3191G>C, p.Ser1064Thr (NM_001382395.1); short protein forms S1057T, S1064T.
Identifiers: ClinVar variation 2587631 (VCV002587631.2), dbSNP rs2528915202, ClinGen allele CA346360941.
Genomic context (GRCh38, chr2:38,995,278, plus strand): 5'-CTTGGAGAATTTGGTGCAGATGCTGTACTTTCTGTTTCACTTTCAGGGATCCTACTATAA[C>G]TAATTTTCCTTGGCTCCTGCTGCAGAGGTGTGGGATGCCTCATGGTACCTGGTCTTGGGT-3'
Protein context (NP_005624.2, residues 1054-1074): TPLQQEPRKI[Ser1064Thr]YSRIPESETE

ClinVar aggregate classification (germline): Uncertain significance (1 of 4 stars; one submission).

Conditions:
Cardiovascular phenotype. Identifiers: MedGen CN230736.

Submission:

Ambry Genetics
Classification: Uncertain significance for Cardiovascular phenotype. Last evaluated: 2023-07-16. Review status: criteria provided, single submitter. Criteria: Ambry Variant Classification Scheme 2023. Collection method: clinical testing. Allele origin: germline.
Comment: The p.S1064T variant (also known as c.3191G>C), located in coding exon 20 of the SOS1 gene, results from a G to C substitution at nucleotide position 3191. The serine at codon 1064 is replaced by threonine, an amino acid with similar properties. This amino acid position is conserved. In addition, the in silico prediction for this alteration is inconclusive. Since supporting evidence is limited at this time, the clinical significance of this alteration remains unclear.